The following is an entry in ClinVar:

NM_198576.4(AGRN):c.2291T>C (p.Leu764Ser)

Gene: AGRN (agrin; plus strand). Cytogenetic location: 1p36.33.
Variant type: single nucleotide variant.
Coding change: c.2291T>C on transcript NM_198576.4 (MANE Select); coding-DNA position 2291, T replaced by C.
Protein change: p.Leu764Ser; replaces leucine 764 with serine.
Molecular consequence: missense variant.
Genome position (GRCh38, 1-based): chr1:1,045,197, T>C. VCF-style: chr1-1045197-T-C. GRCh37 (hg19) VCF-style: chr1-980577-T-C.
Other names: c.2291T>C, p.Leu764Ser (NM_001305275.2); c.1976T>C, p.Leu659Ser (NM_001364727.2); short protein forms L659S, L764S.
Identifiers: ClinVar variation 1021336 (VCV001021336.7), dbSNP rs766070520, ClinGen allele CA508572.
Genomic context (GRCh38, chr1:1,045,197, plus strand): 5'-TGAGTCCCGTACCCTTTCCTGCAGGCCCCACCTTCGCCCCGCTGCCGCCTGTGGCCCCCT[T>C]ACACTGTGCCCAGACGCCCTACGGCTGCTGCCAGGACAATATCACCGCAGCCCGGGGCGT-3'
Protein context (NP_940978.2, residues 754-774): TFAPLPPVAP[Leu764Ser]HCAQTPYGCC

ClinVar aggregate classification (germline): Uncertain significance (1 of 4 stars; one submission).

Conditions:
Congenital myasthenic syndrome 8. Also called: MYASTHENIC SYNDROME, CONGENITAL, DUE TO AGRIN DEFICIENCY; Myasthenic syndrome, congenital, 8, with pre- and postsynaptic defects. Identifiers: Orphanet 590, MedGen C3808739, MONDO:0014052, OMIM 615120.

Allele frequency attached by ClinVar (database versions not stated): gnomAD 0.00001; gnomAD exomes 0.00001 and 0.00002; ExAC 0.00002.
gnomAD v4.1: 14 of 1,612,600 alleles (0.00087%); highest among the groups gnomAD compares: Admixed American, 0.0067%; no homozygotes.

Submission:

Labcorp Genetics (formerly Invitae), Labcorp
Classification: Uncertain significance for Congenital myasthenic syndrome 8. Last evaluated: 2022-02-05. Review status: criteria provided, single submitter. Criteria: Invitae Variant Classification Sherloc (09022015). Collection method: clinical testing. Allele origin: germline.
Comment: In summary, the available evidence is currently insufficient to determine the role of this variant in disease. Therefore, it has been classified as a Variant of Uncertain Significance. Algorithms developed to predict the effect of missense changes on protein structure and function output the following: SIFT: "Tolerated"; PolyPhen-2: "Possibly Damaging"; Align-GVGD: "Class C0". The serine amino acid residue is found in multiple mammalian species, which suggests that this missense change does not adversely affect protein function. ClinVar contains an entry for this variant (Variation ID: 1021336). This variant has not been reported in the literature in individuals affected with AGRN-related conditions. This variant is present in population databases (rs766070520, gnomAD 0.009%). This sequence change replaces leucine, which is neutral and non-polar, with serine, which is neutral and polar, at codon 764 of the AGRN protein (p.Leu764Ser).